The following is an entry in ClinVar:

NM_001013838.3(CARMIL2):c.220G>A (p.Ala74Thr)

Gene: CARMIL2 (capping protein regulator and myosin 1 linker 2; plus strand). Cytogenetic location: 16q22.1.
Variant type: single nucleotide variant.
Coding change: c.220G>A on transcript NM_001013838.3 (MANE Select); coding-DNA position 220, G replaced by A.
Protein change: p.Ala74Thr; replaces alanine 74 with threonine.
Molecular consequence: missense variant.
Genome position (GRCh38, 1-based): chr16:67,646,051, G>A. VCF-style: chr16-67646051-G-A. GRCh37 (hg19) VCF-style: chr16-67679954-G-A.
Other names: c.220G>A (NM_001013838.1); c.220G>A, p.Ala74Thr (NM_001317026.3); short protein forms A74T.
Identifiers: ClinVar variation 2072430 (VCV002072430.4), dbSNP rs761988007, ClinGen allele CA8112981.
Genomic context (GRCh38, chr16:67,646,051, plus strand): 5'-GTCCCAGCTGATCTAGGCCCTTTCTAGGTGGACTGCACGTTCAGCTACCTGGAGGTCCAG[G>A]CCATGGCGCTGCAGGAGACACCCCCTCAGGTGAGACACCTAGTACCCTACCTGGGCCTGC-3'
Protein context (NP_001013860.1, residues 64-84): DCTFSYLEVQ[Ala74Thr]MALQETPPQV

ClinVar aggregate classification (germline): Uncertain significance. Review status: criteria provided, multiple submitters, no conflicts (2 of 4 stars). 3 submissions from 3 submitters: Uncertain significance (3). Last evaluated 2025-12-15.

Conditions:
CARMIL2-related disorder. Also called: CARMIL2-related condition.
Inborn genetic diseases. Identifiers: MedGen C0950123, MeSH D030342.

Allele frequency attached by ClinVar (database versions not stated): ExAC 0.00001; gnomAD exomes 0.00002; TOPMed 0.00003.
gnomAD v4.1: 10 of 1,613,808 alleles (0.00062%); highest among the groups gnomAD compares: Admixed American, 0.0083%; no homozygotes.

Submissions (3):

Ambry Genetics
Classification: Uncertain significance for Inborn genetic diseases. Last evaluated: 2025-12-15. Review status: criteria provided, single submitter. Criteria: Ambry Variant Classification Scheme 2023. Collection method: clinical testing. Allele origin: germline.

Labcorp Genetics (formerly Invitae), Labcorp
Classification: Uncertain significance. Last evaluated: 2023-04-26. Review status: criteria provided, single submitter. Criteria: Invitae Variant Classification Sherloc (09022015). Collection method: clinical testing. Allele origin: germline.
Comment: Advanced modeling of protein sequence and biophysical properties (such as structural, functional, and spatial information, amino acid conservation, physicochemical variation, residue mobility, and thermodynamic stability) performed at Invitae indicates that this missense variant is not expected to disrupt CARMIL2 protein function. ClinVar contains an entry for this variant (Variation ID: 2072430). This variant has not been reported in the literature in individuals affected with CARMIL2-related conditions. This variant is present in population databases (rs761988007, gnomAD 0.02%). This sequence change replaces alanine, which is neutral and non-polar, with threonine, which is neutral and polar, at codon 74 of the CARMIL2 protein (p.Ala74Thr). In summary, the available evidence is currently insufficient to determine the role of this variant in disease. Therefore, it has been classified as a Variant of Uncertain Significance.

PreventionGenetics, part of Exact Sciences
Classification: Uncertain significance for CARMIL2-related condition. Last evaluated: 2022-10-25. Review status: criteria provided, single submitter. Criteria: ACMG Guidelines, 2015. Collection method: clinical testing. Allele origin: germline.
Comment: The CARMIL2 c.220G>A variant is predicted to result in the amino acid substitution p.Ala74Thr. To our knowledge, this variant has not been reported in the literature. This variant is reported in 0.022% of alleles in individuals of East Asian descent in gnomAD. At this time, the clinical significance of this variant is uncertain due to the absence of conclusive functional and genetic evidence.